The following is an entry in ClinVar:

NC_012920.1(MT-TS2):m.12247T>C

Gene: MT-TS2 (mitochondrially encoded tRNA serine 2 (AGU/C); plus strand).
Variant type: single nucleotide variant.
Genome position: chrM-12247-T-C.
Identifiers: ClinVar variation 690173 (VCV000690173.1), dbSNP rs1603223637, ClinGen allele CA913169849.

ClinVar aggregate classification (germline): Uncertain significance (1 of 4 stars; one submission).

Conditions:
MELAS syndrome (MELAS). Also called: Juvenile myopathy, encephalopathy, lactic acidosis, stroke. Identifiers: Orphanet 550, MedGen C0162671, MONDO:0010789, OMIM 540000.

Submission:

Wong Mito Lab, Molecular and Human Genetics, Baylor College of Medicine
Classification: Uncertain significance for MELAS syndrome. Last evaluated: 2019-07-12. Review status: criteria provided, single submitter. Criteria: Modified ACMG Guidelines (Unpublished). Collection method: clinical testing. Allele origin: germline.
Comment: The NC_012920.1:m.12247T>C variant in MT-TS2 gene is interpreted to be a Unknown Significance variant based on the modified ACMG guidelines (unpublished). This variant meets the following evidence codes reported in the guidelines: PP7, BP5

Literature cited by the submitters: PubMed 31965079.